The following is an entry in ClinVar:

NM_000453.3(SLC5A5):c.1242+1G>A

Gene: SLC5A5 (solute carrier family 5 member 5; plus strand). Cytogenetic location: 19p13.11.
Variant type: single nucleotide variant.
Coding change: c.1242+1G>A on transcript NM_000453.3 (MANE Select); the canonical splice donor site of the intron after coding-DNA position 1242, G replaced by A.
Molecular consequence: splice donor variant.
Genome position (GRCh38, 1-based): chr19:17,882,220, G>A. VCF-style: chr19-17882220-G-A. GRCh37 (hg19) VCF-style: chr19-17993029-G-A.
Identifiers: ClinVar variation 2780437 (VCV002780437.3), dbSNP rs1241045861, ClinGen allele CA404767229.
Genomic context (GRCh38, chr19:17,882,220, plus strand): 5'-GGATCGGCCTGTCTCACCGTGGCAGCCCTGTCCTCACTGCTCGGAGGAGGTGTCCTTCAG[G>A]TGAGACCCCACCTGCCCCCTGCCCTGGTCTCCTGAGAGGTGGGGGCACCTTTCCCTCTTT-3'

ClinVar aggregate classification (germline): Likely pathogenic (1 of 4 stars; one submission).

Allele frequency attached by ClinVar (database versions not stated): TOPMed below 0.00001; gnomAD 0.00001; gnomAD exomes 0.00001.
gnomAD v4.1: 14 of 1,612,850 alleles (0.00087%); highest among the groups gnomAD compares: Non-Finnish European, 0.0011%; no homozygotes.

Submission:

Labcorp Genetics (formerly Invitae), Labcorp
Classification: Likely pathogenic. Last evaluated: 2023-12-13. Review status: criteria provided, single submitter. Criteria: Invitae Variant Classification Sherloc (09022015). Collection method: clinical testing. Allele origin: germline.
Comment: This sequence change affects a donor splice site in intron 10 of the SLC5A5 gene. It is expected to disrupt RNA splicing. Variants that disrupt the donor or acceptor splice site typically lead to a loss of protein function (PMID: 16199547), and loss-of-function variants in SLC5A5 are known to be pathogenic (PMID: 9388506, 9486973). This variant is not present in population databases (gnomAD no frequency). Disruption of this splice site has been observed in individual(s) with hypothyroidism and developmental delay (PMID: 32005694). Algorithms developed to predict the effect of sequence changes on RNA splicing suggest that this variant may disrupt the consensus splice site. In summary, the currently available evidence indicates that the variant is pathogenic, but additional data are needed to prove that conclusively. Therefore, this variant has been classified as Likely Pathogenic.

Literature cited by the submitters: PubMed 16199547; PubMed 9388506; PubMed 9486973; PubMed 32005694.